The following is an entry in ClinVar:

NM_017411.4(SMN2):c.84C>T (p.Ser28=)

Gene: SMN2 (survival of motor neuron 2, centromeric). Cytogenetic location: 5q13.2.
Variant type: single nucleotide variant.
Coding change: c.84C>T on transcript NM_017411.4 (MANE Select); coding-DNA position 84, C replaced by T.
Protein change: p.Ser28=; no amino-acid change (serine 28 retained).
Molecular consequence: synonymous variant.
Genome position (GRCh38, 1-based): chr5:70,063,417, C>T. VCF-style: chr5-70063417-C-T. GRCh37 (hg19) VCF-style: chr5-69359244-C-T.
Other names: c.84C>T, p.Ser28= (NM_022875.3, NM_022876.2, NM_022877.2).
Identifiers: ClinVar variation 4874492 (VCV004874492.2).
Genomic context (GRCh38, chr5:70,063,417, plus strand): 5'-ACATTTTCTGATTAAACCTATCTGAACATGAGTTGTTTTTATTTCTTACCCTTTCCAGAG[C>T]GATGATTCTGACATTTGGGATGATACAGCACTGATAAAAGCATATGATAAAGCTGTGGCT-3'
Protein context (NP_059107.1, residues 18-38): SVLFRRGTGQ[Ser28=]DDSDIWDDTA

ClinVar aggregate classification (germline): Likely benign (1 of 4 stars; one submission).

Submission:

CeGaT Center for Human Genetics Tuebingen
Classification: Likely benign. Last evaluated: 2026-06-01. Review status: criteria provided, single submitter. Criteria: CeGaT Center For Human Genetics Tuebingen Variant Classification Criteria Version 2. Collection method: clinical testing. Allele origin: germline. Affected: yes. Observed: 1 variant allele.
Comment: SMN2: BP4, BP7